The following is an entry in ClinVar:

NM_001291303.3(FAT4):c.9494C>A (p.Thr3165Lys)

Gene: FAT4 (FAT atypical cadherin 4; plus strand). Cytogenetic location: 4q28.1.
Variant type: single nucleotide variant.
Coding change: c.9494C>A on transcript NM_001291303.3 (MANE Select); coding-DNA position 9494, C replaced by A.
Protein change: p.Thr3165Lys; replaces threonine 3165 with lysine.
Molecular consequence: missense variant.
Genome position (GRCh38, 1-based): chr4:125,450,504, C>A. VCF-style: chr4-125450504-C-A. GRCh37 (hg19) VCF-style: chr4-126371659-C-A.
Other names: c.9494C>A, p.Thr3165Lys (NM_001438397.1, NM_001291285.3, NM_001438396.1); c.9488C>A, p.Thr3163Lys (NM_024582.6); c.4265C>A, p.Thr1422Lys (NM_001437895.1); short protein forms T1422K, T3163K, T3165K.
Identifiers: ClinVar variation 4531926 (VCV004531926.1).

ClinVar aggregate classification (germline): Uncertain significance (1 of 4 stars; one submission).

Conditions:
Hennekam lymphangiectasia-lymphedema syndrome 2 (HKLLS2). Identifiers: Orphanet 2136, MedGen C4014939, MONDO:0014454, OMIM 616006.

gnomAD v4.1: 3 of 1,614,028 alleles (0.00019%); highest among the groups gnomAD compares: Non-Finnish European, 0.00025%; no homozygotes.

Submission:

Victorian Clinical Genetics Services, Murdoch Childrens Research Institute
Classification: Uncertain significance for Hennekam lymphangiectasia-lymphedema syndrome 2. Last evaluated: 2024-10-11. Review status: criteria provided, single submitter. Criteria: ACMG Guidelines, 2015. Collection method: clinical testing. Allele origin: germline.
Comment: This variant is classified as VUS-3B. Evidence in support of pathogenic classification: Variant is present in gnomAD <0.01 for a recessive condition (v4: 3 heterozygote(s), 0 homozygote(s)). Evidence in support of benign classification: Missense variant consistently predicted to be tolerated by in silico tool or not conserved in placental mammals with a minor amino acid change. Additional information: Variant is predicted to result in a missense amino acid change from threonine to lysine; This variant is heterozygous; This gene is associated with autosomal recessive disease; Multiple alternative amino acid changes at the same position have been observed in gnomAD (v4) (highest allele count: 50 heterozygotes, 0 homozygotes); This variant has no previous evidence of pathogenicity; No published segregation evidence has been identified for this variant; No published functional evidence has been identified for this variant; Another missense variant comparable to the one identified in this case has inconclusive previous evidence for pathogenicity. The p.(Thr3165Met) variant has been reported once as a VUS (ClinVar); Variant is located in the annotated cadherin 30 domain (Uniprot); Loss of function is a known mechanism of disease in this gene and is associated with Hennekam lymphangiectasia-lymphoedema syndrome 2 (MIM#616006), and Van Maldergem syndrome 2 (MIM#615546).